The following is an entry in ClinVar:

NM_020208.4(SLC6A20):c.*871C>G

Gene: SLC6A20 (solute carrier family 6 member 20; minus strand). Cytogenetic location: 3p21.31.
Variant type: single nucleotide variant.
Coding change: c.*871C>G on transcript NM_020208.4 (MANE Select); 871 bases downstream of the stop codon, C replaced by G.
Molecular consequence: 3 prime UTR variant.
Genome position (GRCh38, 1-based): chr3:45,758,107, G>C on the plus strand (C>G on the coding strand, the complement: SLC6A20 is on the minus strand). VCF-style: chr3-45758107-G-C. GRCh37 (hg19) VCF-style: chr3-45799599-G-C.
Other names: c.*871C>G (NM_022405.4).
Identifiers: ClinVar variation 345384 (VCV000345384.6), dbSNP rs2531750, ClinGen allele CA10618605.

ClinVar aggregate classification (germline): Benign. Review status: criteria provided, multiple submitters, no conflicts (2 of 4 stars). 2 submissions from 2 submitters: Benign (2). Last evaluated 2018-01-12.

Conditions:
Hyperglycinuria. Also called: GLYCINURIA WITH OR WITHOUT OXALATE NEPHROLITHIASIS; GLYCINURIA WITH OR WITHOUT OXALATE UROLITHIASIS; IMINOGLYCINURIA TYPE II. Identifiers: MedGen C0543541, MONDO:0007677, OMIM 138500, HP:0003108.

Allele frequency attached by ClinVar (database versions not stated): TOPMed 0.15809; gnomAD exomes 0.15844; 1000 Genomes Project 30x 0.15881; gnomAD 0.16180 and 0.16239; 1000 Genomes Project 0.17153.
gnomAD v4.1: 25,770 of 158,648 alleles (16%); highest among the groups gnomAD compares: East Asian, 27%; 2,300 homozygotes.

Submissions (2):

Illumina Laboratory Services, Illumina
Classification: Benign for Hyperglycinuria. Last evaluated: 2018-01-12. Review status: criteria provided, single submitter. Criteria: ICSL Variant Classification Criteria 13 December 2019. Collection method: clinical testing. Allele origin: germline.
Comment: This variant was observed in the ICSL laboratory as part of a predisposition screen in an ostensibly healthy population. It had not been previously curated by ICSL or reported in the Human Gene Mutation Database (HGMD: prior to June 1st, 2018), and was therefore a candidate for classification through an automated scoring system. Utilizing variant allele frequency, disease prevalence and penetrance estimates, and inheritance mode, an automated score was calculated to assess if this variant is too frequent to cause the disease. Based on the score and internal cut-off values, a variant classified as benign is not then subjected to further curation. The score for this variant resulted in a classification of benign for this disease.

Breakthrough Genomics
Classification: Benign. Review status: criteria provided, single submitter. Criteria: ACMG Guidelines, 2015. Collection method: not provided. Allele origin: germline. Inheritance: Autosomal recessive inheritance. Affected: yes.